The following is an entry in ClinVar:

ClinVar aggregate classification (germline): Uncertain significance (1 of 4 stars; one submission).

Conditions:
Developmental and epileptic encephalopathy, 33 (DEE33). Also called: Epileptic encephalopathy, early infantile, 33. Identifiers: Orphanet 442835, MedGen C4225337, MONDO:0014625, OMIM 616409.

gnomAD v4.1: 7 of 1,612,504 alleles (0.00043%); highest among the groups gnomAD compares: Admixed American, 0.01%; no homozygotes.

Submission:

Labcorp Genetics (formerly Invitae), Labcorp
Classification: Uncertain significance for Developmental and epileptic encephalopathy, 33. Last evaluated: 2025-04-17. Review status: criteria provided, single submitter. Criteria: Invitae Variant Classification Sherloc (09022015). Collection method: clinical testing. Allele origin: germline.
Comment: This sequence change replaces serine, which is neutral and polar, with cysteine, which is neutral and slightly polar, at codon 331 of the EEF1A2 protein (p.Ser331Cys). This variant is present in population databases (rs754338238, gnomAD 0.02%). This variant has not been reported in the literature in individuals affected with EEF1A2-related conditions. ClinVar contains an entry for this variant (Variation ID: 3659473). Invitae Evidence Modeling of protein sequence and biophysical properties (such as structural, functional, and spatial information, amino acid conservation, physicochemical variation, residue mobility, and thermodynamic stability) has been performed for this missense variant. However, the output from this modeling did not meet the statistical confidence thresholds required to predict the impact of this variant on EEF1A2 protein function. In summary, the available evidence is currently insufficient to determine the role of this variant in disease. Therefore, it has been classified as a Variant of Uncertain Significance.

NM_001958.5(EEF1A2):c.992C>G (p.Ser331Cys)

Gene: EEF1A2 (eukaryotic translation elongation factor 1 alpha 2; minus strand). Cytogenetic location: 20q13.33.
Variant type: single nucleotide variant.
Coding change: c.992C>G on transcript NM_001958.5 (MANE Select); coding-DNA position 992, C replaced by G.
Protein change: p.Ser331Cys; replaces serine 331 with cysteine.
Molecular consequence: missense variant.
Genome position (GRCh38, 1-based): chr20:63,490,516, G>C on the plus strand (C>G on the coding strand, the complement: EEF1A2 is on the minus strand). VCF-style: chr20-63490516-G-C. GRCh37 (hg19) VCF-style: chr20-62121869-G-C.
Other names: short protein forms S331C.
Identifiers: ClinVar variation 3659473 (VCV003659473.2).